The following is an entry in ClinVar:

NM_002381.5(MATN3):c.732C>G (p.Tyr244Ter)

Gene: MATN3 (matrilin 3; minus strand). Cytogenetic location: 2p24.1.
Variant type: single nucleotide variant.
Coding change: c.732C>G on transcript NM_002381.5 (MANE Select); coding-DNA position 732, C replaced by G.
Protein change: p.Tyr244Ter; replaces tyrosine 244 with a stop codon.
Molecular consequence: nonsense.
Genome position (GRCh38, 1-based): chr2:20,005,802, G>C on the plus strand (C>G on the coding strand, the complement: MATN3 is on the minus strand). VCF-style: chr2-20005802-G-C. GRCh37 (hg19) VCF-style: chr2-20205563-G-C.
Other names: short protein forms Y244*.
Identifiers: ClinVar variation 3729331 (VCV003729331.2).
Genomic context (GRCh38, chr2:20,005,802, plus strand): 5'-ACCACAGAAGGTTTCCTGGAATCTAGAGGAAAGTTTCTCAATGACCCCATAGGTCTCCAC[G>C]TAGAAAACATGCTCCTCTAGGGGCTCACTGGCCATCATCTTGAGGGACGCCATGTCTGCC-3'

ClinVar aggregate classification (germline): Uncertain significance (1 of 4 stars; one submission).

Submission:

Labcorp Genetics (formerly Invitae), Labcorp
Classification: Uncertain significance. Last evaluated: 2025-01-22. Review status: criteria provided, single submitter. Criteria: Invitae Variant Classification Sherloc (09022015). Collection method: clinical testing. Allele origin: germline.
Comment: This sequence change creates a premature translational stop signal (p.Tyr244*) in the MATN3 gene. It is expected to result in an absent or disrupted protein product. However, the current clinical and genetic evidence is not sufficient to establish whether loss-of-function variants in MATN3 cause disease. This variant is not present in population databases (gnomAD no frequency). This variant has not been reported in the literature in individuals affected with MATN3-related conditions. In summary, the available evidence is currently insufficient to determine the role of this variant in disease. Therefore, it has been classified as a Variant of Uncertain Significance.